The following is an entry in ClinVar:

ClinVar aggregate classification (germline): Likely benign. Review status: reviewed by expert panel (3 of 4 stars). 8 submissions from 8 submitters: Likely benign (1). 7 of the submissions do not count toward it. Last evaluated 2017-06-29.

Conditions:
Breast and/or ovarian cancer. Identifiers: MedGen CN221562.
Hereditary cancer-predisposing syndrome. Also called: Tumor predisposition; Neoplastic Syndromes, Hereditary; Hereditary neoplastic syndrome; Hereditary Cancer Syndrome. Identifiers: Orphanet 140162, MedGen C0027672, MeSH D009386, MONDO:0015356.
Hereditary breast ovarian cancer syndrome. Also called: Hereditary breast and ovarian cancer syndrome; Hereditary breast and ovarian cancer syndrome (HBOC); Hereditary breast and ovarian cancer; Breast and ovarian cancer; BRCA1- and BRCA2-Associated Hereditary Breast and Ovarian Cancer; Hereditary breast and/or ovarian cancer syndrome. Identifiers: Orphanet 145, MedGen C0677776, MeSH D061325, MONDO:0003582. Disease mechanism: loss of function.
Breast-ovarian cancer, familial, susceptibility to, 2 (BROVCA2). Also called: BRCA2 Hereditary Breast and Ovarian Cancer. Identifiers: Orphanet 145, MedGen C2675520, MONDO:0012933, OMIM 612555. Disease mechanism: loss of function.

Allele frequency attached by ClinVar (database versions not stated): ExAC 0.00001; gnomAD exomes 0.00001 and 0.00002.
gnomAD v4.1: 32 of 1,613,768 alleles (0.002%); highest among the groups gnomAD compares: Non-Finnish European, 0.0025%; no homozygotes.

Submissions (8):

Evidence-based Network for the Interpretation of Germline Mutant Alleles (ENIGMA)
Classification: Likely benign for Breast-ovarian cancer, familial, susceptibility to, 2. Last evaluated: 2017-06-29. Review status: reviewed by expert panel. Criteria: ENIGMA BRCA1/2 Classification Criteria (2017-06-29). Collection method: curation. Allele origin: germline.
Comment: Synonymous substitution variant, with low bioinformatic likelihood to result in a splicing aberration (Splicing prior probability 0.02).

Labcorp Genetics (formerly Invitae), Labcorp
Classification: Likely benign for Hereditary breast ovarian cancer syndrome. Last evaluated: 2025-10-06. Review status: criteria provided, single submitter. Criteria: Invitae Variant Classification Sherloc (09022015). Collection method: clinical testing. Allele origin: germline. Not counted in ClinVar's aggregate classification.

Blueprint Genetics
Classification: Likely benign. Last evaluated: 2024-11-21. Review status: criteria provided, single submitter. Criteria: ACMG Guidelines, 2015. Collection method: clinical testing. Allele origin: germline. Not counted in ClinVar's aggregate classification.

All of Us Research Program, National Institutes of Health
Classification: Likely benign for Breast-ovarian cancer, familial, susceptibility to, 2. Last evaluated: 2023-08-28. Review status: criteria provided, single submitter. Criteria: ACMG Guidelines, 2015. Collection method: clinical testing. Allele origin: germline. Inheritance: Autosomal dominant inheritance. Observed: 2 variant alleles, 2 heterozygotes. Not counted in ClinVar's aggregate classification.
Comment: This study involves interpretation of variants in research participants for the purpose of population health screening. Participant phenotype was not available at the time of variant classification. Additional details can be found in publication PMID: 35346344, PMCID: PMC8962531

CHEO Genetics Diagnostic Laboratory, Children's Hospital of Eastern Ontario
Classification: Likely benign for Breast and/or ovarian cancer. Last evaluated: 2022-11-10. Review status: criteria provided, single submitter. Criteria: ACMG Guidelines, 2015. Collection method: clinical testing. Allele origin: germline. Not counted in ClinVar's aggregate classification.

GeneDx
Classification: Likely benign. Last evaluated: 2020-09-21. Review status: criteria provided, single submitter. Criteria: GeneDx Variant Classification Process June 2021. Collection method: clinical testing. Allele origin: germline. Affected: yes. Not counted in ClinVar's aggregate classification.
Comment: This variant is associated with the following publications: (PMID: 19471317)

Color Diagnostics, LLC DBA Color Health
Classification: Likely benign for Hereditary cancer-predisposing syndrome. Last evaluated: 2018-09-05. Review status: criteria provided, single submitter. Criteria: ACMG Guidelines, 2015. Collection method: clinical testing. Allele origin: germline. Not counted in ClinVar's aggregate classification.

Ambry Genetics
Classification: Likely benign for Hereditary cancer-predisposing syndrome. Last evaluated: 2014-12-22. Review status: criteria provided, single submitter. Criteria: Ambry Variant Classification Scheme 2023. Collection method: clinical testing. Allele origin: germline. Not counted in ClinVar's aggregate classification.

NM_000059.4(BRCA2):c.10188T>C (p.Ser3396=)

Gene: BRCA2 (BRCA2 DNA repair associated; plus strand). Cytogenetic location: 13q13.1.
Variant type: single nucleotide variant.
Coding change: c.10188T>C on transcript NM_000059.4 (MANE Select); coding-DNA position 10188, T replaced by C.
Protein change: p.Ser3396=; no amino-acid change (serine 3396 retained).
Molecular consequence: synonymous variant.
Genome position (GRCh38, 1-based): chr13:32,398,701, T>C. VCF-style: chr13-32398701-T-C. GRCh37 (hg19) VCF-style: chr13-32972838-T-C.
Identifiers: ClinVar variation 185864 (VCV000185864.27), dbSNP rs776043746, ClinGen allele CA010434.